The following is an entry in ClinVar:

ClinVar aggregate classification (germline): Uncertain significance (1 of 4 stars; one submission).

Allele frequency attached by ClinVar (database versions not stated): gnomAD exomes below 0.00001; ExAC 0.00001.

Submission:

Labcorp Genetics (formerly Invitae), Labcorp
Classification: Uncertain significance. Last evaluated: 2022-08-07. Review status: criteria provided, single submitter. Criteria: Invitae Variant Classification Sherloc (09022015). Collection method: clinical testing. Allele origin: germline.
Comment: In summary, the available evidence is currently insufficient to determine the role of this variant in disease. Therefore, it has been classified as a Variant of Uncertain Significance. Algorithms developed to predict the effect of missense changes on protein structure and function (SIFT, PolyPhen-2, Align-GVGD) all suggest that this variant is likely to be tolerated. This variant has not been reported in the literature in individuals affected with FLAD1-related conditions. This variant is not present in population databases (gnomAD no frequency). This sequence change replaces alanine, which is neutral and non-polar, with valine, which is neutral and non-polar, at codon 298 of the FLAD1 protein (p.Ala298Val).

NM_025207.5(FLAD1):c.893C>T (p.Ala298Val)

Gene: FLAD1 (flavin adenine dinucleotide synthetase 1; plus strand). Cytogenetic location: 1q21.3.
Variant type: single nucleotide variant.
Coding change: c.893C>T on transcript NM_025207.5 (MANE Select); coding-DNA position 893, C replaced by T.
Protein change: p.Ala298Val; replaces alanine 298 with valine.
Molecular consequence: missense variant.
Genome position (GRCh38, 1-based): chr1:154,988,625, C>T. VCF-style: chr1-154988625-C-T. GRCh37 (hg19) VCF-style: chr1-154961101-C-T.
Other names: c.602C>T, p.Ala201Val (NM_201398.3, NM_001184891.2); c.596C>T, p.Ala199Val (NM_001184892.2); short protein forms A199V, A201V, A298V.
Identifiers: ClinVar variation 1715465 (VCV001715465.5), dbSNP rs773086299, ClinGen allele CA1134425.